The following is an entry in ClinVar:

ClinVar aggregate classification (germline): Uncertain significance (1 of 4 stars; one submission).

Conditions:
Chédiak-Higashi syndrome (CHS). Also called: Chediak-Higashi Syndrome. Identifiers: Orphanet 167, MedGen C0007965, MONDO:0008963, OMIM 214500.

Submission:

Labcorp Genetics (formerly Invitae), Labcorp
Classification: Uncertain significance for Chédiak-Higashi syndrome. Last evaluated: 2022-07-30. Review status: criteria provided, single submitter. Criteria: Invitae Variant Classification Sherloc (09022015). Collection method: clinical testing. Allele origin: germline.
Comment: This sequence change replaces phenylalanine, which is neutral and non-polar, with leucine, which is neutral and non-polar, at codon 2236 of the LYST protein (p.Phe2236Leu). This variant is not present in population databases (gnomAD no frequency). This variant has not been reported in the literature in individuals affected with LYST-related conditions. Algorithms developed to predict the effect of missense changes on protein structure and function (SIFT, PolyPhen-2, Align-GVGD) all suggest that this variant is likely to be tolerated. In summary, the available evidence is currently insufficient to determine the role of this variant in disease. Therefore, it has been classified as a Variant of Uncertain Significance.

NM_000081.4(LYST):c.6708C>G (p.Phe2236Leu)

Gene: LYST (lysosomal trafficking regulator; minus strand). Cytogenetic location: 1q42.3.
Variant type: single nucleotide variant.
Coding change: c.6708C>G on transcript NM_000081.4 (MANE Select); coding-DNA position 6708, C replaced by G.
Protein change: p.Phe2236Leu; replaces phenylalanine 2236 with leucine.
Molecular consequence: missense variant.
Genome position (GRCh38, 1-based): chr1:235,759,145, G>C on the plus strand (C>G on the coding strand, the complement: LYST is on the minus strand). VCF-style: chr1-235759145-G-C. GRCh37 (hg19) VCF-style: chr1-235922445-G-C.
Other names: c.6708C>G, p.Phe2236Leu (NM_001301365.1); short protein forms F2236L.
Identifiers: ClinVar variation 2001775 (VCV002001775.1), dbSNP rs2527805779, ClinGen allele CA344939775.